The following is an entry in ClinVar:

NM_001035.3(RYR2):c.5452T>C (p.Phe1818Leu)

Gene: RYR2 (ryanodine receptor 2; plus strand). Cytogenetic location: 1q43.
Variant type: single nucleotide variant.
Coding change: c.5452T>C on transcript NM_001035.3 (MANE Select); coding-DNA position 5452, T replaced by C.
Protein change: p.Phe1818Leu; replaces phenylalanine 1818 with leucine.
Molecular consequence: missense variant.
Genome position (GRCh38, 1-based): chr1:237,614,580, T>C. VCF-style: chr1-237614580-T-C. GRCh37 (hg19) VCF-style: chr1-237777880-T-C.
Other names: short protein forms F1818L.
Identifiers: ClinVar variation 920260 (VCV000920260.5), dbSNP rs1678254845, ClinGen allele CA345405055.

ClinVar aggregate classification (germline): Uncertain significance (1 of 4 stars; one submission).

Conditions:
Cardiomyopathy (CMYO). Also called: Cardiomyopathies. Identifiers: Orphanet 167848, MedGen C0878544, MONDO:0004994, HP:0001638. Inheritance: Various modes of inheritance.

Submission:

Color Diagnostics, LLC DBA Color Health
Classification: Uncertain significance for Cardiomyopathy. Last evaluated: 2023-12-04. Review status: criteria provided, single submitter. Criteria: ACMG Guidelines, 2015. Collection method: clinical testing. Allele origin: germline.
Comment: Variant of Uncertain Significance due to insufficient evidence: This missense variant replaces phenylalanine with leucine at codon 1818 of the RYR2 protein. Computational prediction tools and conservation analyses are inconclusive regarding the impact of this variant on the protein function. Computational splicing tools suggest that this variant may not impact RNA splicing. To our knowledge, functional assays have not been performed for this variant nor has this variant been reported in individuals affected with cardiovascular disorders in the literature. This variant is rare in the general population and has been identified in 0/277264 chromosomes by the Genome Aggregation Database (gnomAD). Available evidence is insufficient to determine the role of this variant in disease conclusively.